The following is an entry in ClinVar:

ClinVar aggregate classification (germline): Uncertain significance (1 of 4 stars; one submission).

Conditions:
Hereditary nonpolyposis colorectal neoplasms. Identifiers: MedGen C0009405, MeSH D003123.

Submission:

Labcorp Genetics (formerly Invitae), Labcorp
Classification: Uncertain significance for Hereditary nonpolyposis colorectal neoplasms. Last evaluated: 2026-01-11. Review status: criteria provided, single submitter. Criteria: Invitae Variant Classification Sherloc (09022015). Collection method: clinical testing. Allele origin: germline.
Comment: This sequence change replaces methionine, which is neutral and non-polar, with leucine, which is neutral and non-polar, at codon 600 of the PMS2 protein (p.Met600Leu). This variant is not present in population databases (gnomAD no frequency). This variant has not been reported in the literature in individuals affected with PMS2-related conditions. ClinVar contains an entry for this variant (Variation ID: 455671). Invitae Evidence Modeling incorporating data from in vitro experimental studies (internal data) indicates that this missense variant is not expected to disrupt PMS2 function with a negative predictive value of 95%. In summary, the available evidence is currently insufficient to determine the role of this variant in disease. Therefore, it has been classified as a Variant of Uncertain Significance.

NM_000535.7(PMS2):c.1798A>T (p.Met600Leu)

Gene: PMS2 (PMS1 homolog 2, mismatch repair system component; minus strand). Cytogenetic location: 7p22.1.
Variant type: single nucleotide variant.
Coding change: c.1798A>T on transcript NM_000535.7 (MANE Select); coding-DNA position 1798, A replaced by T.
Protein change: p.Met600Leu; replaces methionine 600 with leucine.
Molecular consequence: missense variant. On other transcripts: non-coding transcript variant (1).
Genome position (GRCh38, 1-based): chr7:5,986,967, T>A on the plus strand (A>T on the coding strand, the complement: PMS2 is on the minus strand). VCF-style: chr7-5986967-T-A. GRCh37 (hg19) VCF-style: chr7-6026598-T-A.
Other names: c.1393A>T, p.Met465Leu (NM_001322003.2, NM_001322004.2, NM_001322005.2 and 1 more transcripts); c.1642A>T, p.Met548Leu (NM_001322006.2); c.1480A>T, p.Met494Leu (NM_001322007.2, NM_001322008.2); c.1237A>T, p.Met413Leu (NM_001322010.2); c.865A>T, p.Met289Leu (NM_001322011.2, NM_001322012.2); c.1225A>T, p.Met409Leu (NM_001322013.2); c.1798A>T, p.Met600Leu (NM_001322014.2); c.1489A>T, p.Met497Leu (NM_001322015.2); short protein forms M600L, M409L, M413L, M497L, M494L, M465L, M548L, M289L.
Identifiers: ClinVar variation 455671 (VCV000455671.10), dbSNP rs1304634005, ClinGen allele CA366739798.
Genomic context (GRCh38, chr7:5,986,967, plus strand): 5'-AGTCCAGGGGCACAACTTTCTTATTAATTTTCACAGCTACATCAACCTGAGAGGCTGACA[T>A]GTCCTGAGTATTTACTAACTTTTGACAAATGTCAGAACTGGAAAGAATTTCTTCTTTTTT-3'
Protein context (NP_000526.2, residues 590-610): ICQKLVNTQD[Met600Leu]SASQVDVAVK